The following is an entry in ClinVar:

ClinVar aggregate classification (germline): Uncertain significance. Review status: criteria provided, multiple submitters, no conflicts (2 of 4 stars). 2 submissions from 2 submitters: Uncertain significance (2). Last evaluated 2025-05-29.

Conditions:
HOMER2-related disorder. Also called: HOMER2-related condition.
Inborn genetic diseases. Identifiers: MedGen C0950123, MeSH D030342.

Submissions (2):

PreventionGenetics, part of Exact Sciences
Classification: Uncertain significance for HOMER2-related condition. Last evaluated: 2025-05-29. Review status: criteria provided, single submitter. Criteria: ACMG Guidelines, 2015. Collection method: clinical testing. Allele origin: germline.
Comment: The HOMER2 c.170T>C variant is predicted to result in the amino acid substitution p.Ile57Thr. To our knowledge, this variant has not been reported in the literature or in a large population database (gnomAD), indicating this variant is rare. At this time, the clinical significance of this variant is uncertain due to the absence of conclusive functional and genetic evidence.

Ambry Genetics
Classification: Uncertain significance for Inborn genetic diseases. Last evaluated: 2025-01-03. Review status: criteria provided, single submitter. Criteria: Ambry Variant Classification Scheme 2023. Collection method: clinical testing. Allele origin: germline.

NM_004839.4(HOMER2):c.170T>C (p.Ile57Thr)

Gene: HOMER2 (homer scaffold protein 2; minus strand). Cytogenetic location: 15q25.2.
Variant type: single nucleotide variant.
Coding change: c.170T>C on transcript NM_004839.4 (MANE Select); coding-DNA position 170, T replaced by C.
Protein change: p.Ile57Thr; replaces isoleucine 57 with threonine.
Molecular consequence: missense variant.
Genome position (GRCh38, 1-based): chr15:82,875,397, A>G on the plus strand (T>C on the coding strand, the complement: HOMER2 is on the minus strand). VCF-style: chr15-82875397-A-G. GRCh37 (hg19) VCF-style: chr15-83544149-A-G.
Other names: c.170T>C (NM_004839.3); c.170T>C, p.Ile57Thr (NM_199330.3); short protein forms I57T.
Identifiers: ClinVar variation 3858304 (VCV003858304.2).